The following is an entry in ClinVar:

ClinVar aggregate classification (germline): Uncertain significance (1 of 4 stars; one submission).

Submission:

GeneDx
Classification: Uncertain significance. Last evaluated: 2017-01-27. Review status: criteria provided, single submitter. Criteria: GeneDx Variant Classification (06012015). Collection method: clinical testing. Allele origin: germline. Affected: yes.
Comment: The P289S variant in the COL1A1 gene has not been reported previously as a pathogenic variant, nor as a benign variant, to our knowledge. The P289S variant was not observed in approximately 6500 individuals of European and African American ancestry in the NHLBI Exome Sequencing Project, indicating it is not a common benign variant in these populations. The P289S variant is a non-conservative amino acid substitution, which occurs at a position that is conserved across species. In silico analysis is inconsistent in its predictions as to whether or not the variant is damaging to the protein structure/function. We interpret P289S as a variant of uncertain significance

NM_000088.4(COL1A1):c.865C>T (p.Pro289Ser)

Genes: COL1A1 (collagen type I alpha 1 chain; minus strand), LOC126862586 (CDK7 strongly-dependent group 2 enhancer GRCh37_chr17:48273702-48274901; plus strand). Cytogenetic location: 17q21.33.
Variant type: single nucleotide variant.
Coding change: c.865C>T on transcript NM_000088.4 (MANE Select); coding-DNA position 865, C replaced by T.
Protein change: p.Pro289Ser; replaces proline 289 with serine.
Molecular consequence: missense variant.
Genome position (GRCh38, 1-based): chr17:50,196,522, G>A on the plus strand (C>T on the coding strand, the complement: COL1A1 is on the minus strand). VCF-style: chr17-50196522-G-A. GRCh37 (hg19) VCF-style: chr17-48273883-G-A.
Other names: short protein forms P289S.
Identifiers: ClinVar variation 393200 (VCV000393200.2), dbSNP rs1057524833, ClinGen allele CA16607745.
Genomic context (GRCh38, chr17:50,196,522, plus strand): 5'-CTCTGGAACTGGGCACACTCACCATCTGACCAGGAGCTCCATTTTCACCAGGGCTGCCAG[G>A]CTCACCCTGTAGATCAGAGAATAATGAGTGAGAAATTCATTCATGGTGGGACTCTGGGGA-3'
Protein context (NP_000079.2, residues 279-299): DAGPAGPKGE[Pro289Ser]GSPGENGAPG